The following is an entry in ClinVar:

ClinVar aggregate classification (germline): Conflicting classifications of pathogenicity. Review status: criteria provided, conflicting classifications (1 of 4 stars). 15 submissions from 14 submitters: Uncertain significance (7); Likely benign (3). 5 of the submissions do not count toward it. Last evaluated 2026-04-30.

Conditions:
BRCA2-related cancer predisposition. Identifiers: MedGen CN377758, MONDO:0700269.
BRCA2-related disorder. Also called: BRCA2-related condition; BRCA2-related disorders. Identifiers: MedGen CN239275.
Hereditary cancer-predisposing syndrome. Also called: Neoplastic Syndromes, Hereditary; Hereditary neoplastic syndrome; Hereditary Cancer Syndrome; Tumor predisposition. Identifiers: Orphanet 140162, MedGen C0027672, MeSH D009386, MONDO:0015356.
Hereditary breast ovarian cancer syndrome. Also called: Breast and ovarian cancer; BRCA1- and BRCA2-Associated Hereditary Breast and Ovarian Cancer; Hereditary breast and ovarian cancer syndrome (HBOC); Hereditary breast and/or ovarian cancer syndrome; Hereditary breast and ovarian cancer; Hereditary breast and ovarian cancer syndrome. Identifiers: Orphanet 145, MedGen C0677776, MeSH D061325, MONDO:0003582. Disease mechanism: loss of function.
Breast-ovarian cancer, familial, susceptibility to, 2 (BROVCA2). Also called: BRCA2 Hereditary Breast and Ovarian Cancer. Identifiers: Orphanet 145, MedGen C2675520, MONDO:0012933, OMIM 612555. Disease mechanism: loss of function.
Familial cancer of breast. Also called: hereditary breast carcinoma; Hereditary breast cancer; BREAST CANCER, FAMILIAL. Identifiers: Orphanet 227535, MedGen C0346153, MONDO:0016419, OMIM 114480. Disease mechanism: loss of function.

Allele frequency attached by ClinVar (database versions not stated): gnomAD exomes 0.00001; ExAC 0.00002.
gnomAD v4.1: 4 of 1,613,490 alleles (0.00025%); highest among the groups gnomAD compares: Non-Finnish European, 0.00034%; no homozygotes.

Submissions 1 to 9 of 15:

Dasa
Classification: Likely benign for Breast-ovarian cancer, familial, susceptibility to, 2. Last evaluated: 2026-04-30. Review status: criteria provided, single submitter. Criteria: DASA Assertion Criteria. Collection method: clinical testing. Allele origin: germline.
Comment: NM_000059.4(BRCA2):c.9076C>G (p.Gln3026Glu) is a missense variant that results in the substitution of glutamine with glutamic acid. Functional evidence is consistent with no deleterious impact on the gene or gene product. Therefore, based on the currently available evidence, this variant is classified as likely benign.

Labcorp Genetics (formerly Invitae), Labcorp
Classification: Uncertain significance for Hereditary breast ovarian cancer syndrome. Last evaluated: 2026-01-19. Review status: criteria provided, single submitter. Criteria: Invitae Variant Classification Sherloc (09022015). Collection method: clinical testing. Allele origin: germline.
Comment: This sequence change replaces glutamine, which is neutral and polar, with glutamic acid, which is acidic and polar, at codon 3026 of the BRCA2 protein (p.Gln3026Glu). This variant is present in population databases (rs80359159, gnomAD 0.002%). This missense change has been observed in individual(s) with breast cancer, melanoma, and/or ovarian cancer (PMID: 12161607, 27376475, 29625052, 31161121, 34178674, 36451132). This variant is also known as c.9304C>G. ClinVar contains an entry for this variant (Variation ID: 52742). Invitae Evidence Modeling incorporating data from in vitro experimental studies (PMID: 33609447) indicates that this missense variant is not expected to disrupt BRCA2 function with a negative predictive value of 95%. Experimental studies have shown that this missense change does not substantially affect BRCA2 function (PMID: 29884841, 35736817). In summary, the available evidence is currently insufficient to determine the role of this variant in disease. Therefore, it has been classified as a Variant of Uncertain Significance.

Color Diagnostics, LLC DBA Color Health
Classification: Uncertain significance for Hereditary cancer-predisposing syndrome. Last evaluated: 2025-04-21. Review status: criteria provided, single submitter. Criteria: ACMG Guidelines, 2015. Collection method: clinical testing. Allele origin: germline.
Comment: This missense variant replaces glutamine with glutamic acid at codon 3026 of the BRCA2 protein. Computational prediction suggests that this variant may not impact protein structure and function. Functional studies reported that this variant has no impact in a homology-directed DNA repair assay (PMID: 29884841, 33609447, 35736817) and a haploid cell proliferation assay (PMID: 39779857). This variant has been detected in at least four individuals affected with breast or ovarian cancer (PMID: 12161607, 31161121, 33471991, 34178674Leiden Open Variation Database DB-ID BRCA2_000398), an individual affected with skin cancer (PMID: 29625052) and a family suspected of being affected with hereditary breast and ovarian cancer (PMID: 27376475). A multifactorial analysis has reported a likelihood ratio for pathogenicity based on personal and family history of 0.915 from log(LR)=-0.038799062 for 3 carriers (PMID: 31853058). This variant has been identified in 2/250082 chromosomes in the general population by the Genome Aggregation Database (gnomAD). The available evidence is insufficient to determine the role of this variant in disease conclusively. Therefore, this variant is classified as a Variant of Uncertain Significance.

All of Us Research Program, National Institutes of Health
Classification: Uncertain significance for BRCA2-related cancer predisposition. Last evaluated: 2024-08-06. Review status: criteria provided, single submitter. Criteria: ACMG Guidelines, 2015. Collection method: clinical testing. Allele origin: germline. Inheritance: Autosomal dominant inheritance. Observed: 1 variant allele, 1 heterozygote.
Comment: This missense variant replaces glutamine with glutamic acid at codon 3026 of the BRCA2 protein. Computational prediction suggests that this variant may not impact protein structure and function (internally defined REVEL score threshold <= 0.5, PMID: 27666373). A functional study reported that this variant has no impact on homology-directed DNA repair (PMID: 29884841). This variant has been detected in at least four individuals affected with breast or ovarian cancer (PMID: 12161607, 31161121, 33471991, 34178674; Leiden Open Variation Database DB-ID BRCA2_000398), an individual affected with skin cancer (PMID: 29625052) and a family suspected of being affected with hereditary breast and ovarian cancer (PMID: 27376475). This variant has been identified in 2/250082 chromosomes in the general population by the Genome Aggregation Database (gnomAD). The available evidence is insufficient to determine the role of this variant in disease conclusively. Therefore, this variant is classified as a Variant of Uncertain Significance.

This study involves interpretation of variants in research participants for the purpose of population health screening. Participant phenotype was not available at the time of variant classification. Additional details can be found in publication PMID: 35346344, PMCID: PMC8962531

German Consortium for Hereditary Breast and Ovarian Cancer, University Hospital Cologne
Classification: Uncertain significance for Hereditary breast ovarian cancer syndrome. Last evaluated: 2024-01-05. Review status: criteria provided, single submitter. Criteria: ClinGen BRCA2 V1.0.0. Collection method: curation. Allele origin: germline.
Comment: . According to the ClinGen ENIGMA BRCA2 v1.0.0 criteria we chose this criterium: BP4 (supporting benign): BayesDEL:0.00500399 and spliceAI: BRCA2: 0.07

Baylor Genetics
Classification: Uncertain significance for Familial cancer of breast. Last evaluated: 2023-12-07. Review status: criteria provided, single submitter. Criteria: ACMG Guidelines, 2015. Collection method: clinical testing. Allele origin: unknown.

Women's Health and Genetics/Laboratory Corporation of America, LabCorp
Classification: Likely benign. Last evaluated: 2021-09-13. Review status: criteria provided, single submitter. Criteria: LabCorp Variant Classification Summary - May 2015. Collection method: clinical testing. Allele origin: germline.
Comment: Variant summary: BRCA2 c.9076C>G (p.Gln3026Glu) results in a conservative amino acid change in the encoded protein sequence. Three of five in-silico tools predict a damaging effect of the variant on protein function. The variant allele was found at a frequency of 8e-06 in 250082 control chromosomes. The available data on variant occurrences in the general population are insufficient to allow any conclusion about variant significance. c.9076C>G has been reported in the literature in individuals affected with Hereditary Breast And Ovarian Cancer Syndrome or other types cancer (e.g. Kauff_2002, Cheng_2017, Huang_2018, Kim_2019, Fanale_2021). These reports do not provide unequivocal conclusions about association of the variant with Hereditary Breast And Ovarian Cancer Syndrome. At least one publication reports experimental evidence evaluating an impact on protein function. These results showed no damaging effect of this variant (Casadei_2019, Hart_2019). Five clinical diagnostic laboratories have submitted clinical-significance assessments for this variant to ClinVar after 2014 without evidence for independent evaluation. Multiple laboratories reported the variant with conflicting assessments (VUS n=3, likely benign/benign n=2). Based on the evidence outlined above, the variant was classified as likely benign.

Baylor Genetics
Classification: Uncertain significance for Breast-ovarian cancer, familial, susceptibility to, 2. Last evaluated: 2020-02-23. Review status: criteria provided, single submitter. Criteria: ACMG Guidelines, 2015. Collection method: clinical testing. Allele origin: unknown. Affected: yes. Study: CSER-TexasKidsCanSeq.
Comment: This variant was determined to be of uncertain significance according to ACMG Guidelines, 2015 [PMID:25741868].

Ambry Genetics
Classification: Likely benign for Hereditary cancer-predisposing syndrome. Last evaluated: 2019-12-06. Review status: criteria provided, single submitter. Criteria: Ambry Variant Classification Scheme 2023. Collection method: clinical testing. Allele origin: germline.

NM_000059.4(BRCA2):c.9076C>G (p.Gln3026Glu)

Gene: BRCA2 (BRCA2 DNA repair associated; plus strand). Cytogenetic location: 13q13.1.
Variant type: single nucleotide variant.
Coding change: c.9076C>G on transcript NM_000059.4 (MANE Select); coding-DNA position 9076, C replaced by G.
Protein change: p.Gln3026Glu; replaces glutamine 3026 with glutamic acid.
Molecular consequence: missense variant.
Genome position (GRCh38, 1-based): chr13:32,379,872, C>G. VCF-style: chr13-32379872-C-G. GRCh37 (hg19) VCF-style: chr13-32954009-C-G.
Other names: short protein forms Q3026E.
Identifiers: ClinVar variation 52742 (VCV000052742.33), dbSNP rs80359159, ClinGen allele CA025961.